The following is an entry in ClinVar:

ClinVar aggregate classification (germline): Uncertain significance (1 of 4 stars; one submission).

Submission:

Labcorp Genetics (formerly Invitae), Labcorp
Classification: Uncertain significance. Last evaluated: 2024-08-27. Review status: criteria provided, single submitter. Criteria: Invitae Variant Classification Sherloc (09022015). Collection method: clinical testing. Allele origin: germline.
Comment: This sequence change replaces alanine, which is neutral and non-polar, with glycine, which is neutral and non-polar, at codon 1764 of the POLE protein (p.Ala1764Gly). This variant is not present in population databases (gnomAD no frequency). This variant has not been reported in the literature in individuals affected with POLE-related conditions. An algorithm developed to predict the effect of missense changes on protein structure and function (PolyPhen-2) suggests that this variant is likely to be tolerated. In summary, the available evidence is currently insufficient to determine the role of this variant in disease. Therefore, it has been classified as a Variant of Uncertain Significance.

NM_006231.4(POLE):c.5291C>G (p.Ala1764Gly)

Gene: POLE (DNA polymerase epsilon, catalytic subunit; minus strand). Cytogenetic location: 12q24.33.
Variant type: single nucleotide variant.
Coding change: c.5291C>G on transcript NM_006231.4 (MANE Select); coding-DNA position 5291, C replaced by G.
Protein change: p.Ala1764Gly; replaces alanine 1764 with glycine.
Molecular consequence: missense variant.
Genome position (GRCh38, 1-based): chr12:132,641,734, G>C on the plus strand (C>G on the coding strand, the complement: POLE is on the minus strand). VCF-style: chr12-132641734-G-C. GRCh37 (hg19) VCF-style: chr12-133218320-G-C.
Other names: short protein forms A1764G.
Identifiers: ClinVar variation 3663566 (VCV003663566.2).